The following is an entry in ClinVar:

ClinVar aggregate classification (germline): Uncertain significance (1 of 4 stars; one submission).

Conditions:
Hypertrophic cardiomyopathy. Also called: HYPERTROPHIC MYOCARDIOPATHY. Identifiers: Orphanet 217569, MedGen C0007194, MeSH D002312, MONDO:0005045, HP:0001639.

Submission:

Labcorp Genetics (formerly Invitae), Labcorp
Classification: Uncertain significance for Hypertrophic cardiomyopathy. Last evaluated: 2024-06-24. Review status: criteria provided, single submitter. Criteria: Invitae Variant Classification Sherloc (09022015). Collection method: clinical testing. Allele origin: germline.
Comment: This sequence change replaces alanine, which is neutral and non-polar, with valine, which is neutral and non-polar, at codon 543 of the MYH7 protein (p.Ala543Val). This variant is not present in population databases (gnomAD no frequency). This missense change has been observed in individual(s) with dilated cardiomyopathy and/or left ventricular noncompaction (PMID: 37342443; Invitae). Advanced modeling of protein sequence and biophysical properties (such as structural, functional, and spatial information, amino acid conservation, physicochemical variation, residue mobility, and thermodynamic stability) performed at Invitae indicates that this missense variant is expected to disrupt MYH7 protein function with a positive predictive value of 95%. In summary, the available evidence is currently insufficient to determine the role of this variant in disease. Therefore, it has been classified as a Variant of Uncertain Significance.

Literature cited by the submitters: PubMed 37342443.

NM_000257.4(MYH7):c.1628C>T (p.Ala543Val)

Gene: MYH7 (myosin heavy chain 7; minus strand). Cytogenetic location: 14q11.2.
Variant type: single nucleotide variant.
Coding change: c.1628C>T on transcript NM_000257.4 (MANE Select); coding-DNA position 1628, C replaced by T.
Protein change: p.Ala543Val; replaces alanine 543 with valine.
Molecular consequence: missense variant.
Genome position (GRCh38, 1-based): chr14:23,427,845, G>A on the plus strand (C>T on the coding strand, the complement: MYH7 is on the minus strand). VCF-style: chr14-23427845-G-A. GRCh37 (hg19) VCF-style: chr14-23897054-G-A.
Other names: c.1628C>T, p.Ala543Val (NM_001407004.1); short protein forms A543V.
Identifiers: ClinVar variation 3636042 (VCV003636042.2).